The following is an entry in ClinVar:

ClinVar aggregate classification (germline): Likely pathogenic (1 of 4 stars; one submission).

Conditions:
NOTCH3-related disorder. Also called: NOTCH3-related condition; NOTCH3-related disorders.

Submission:

PreventionGenetics, part of Exact Sciences
Classification: Likely pathogenic for NOTCH3-related condition. Last evaluated: 2022-12-28. Review status: criteria provided, single submitter. Criteria: ACMG Guidelines, 2015. Collection method: clinical testing. Allele origin: germline.
Comment: The NOTCH3 c.5115-12_5137del35 variant is predicted to result in a deletion affecting a canonical splice site. This variant is predicted to abolish the canonical splice acceptor site based on available splicing prediction programs (Alamut Visual Plus v1.6.1). To our knowledge, this variant has not been reported in the literature or in a large population database, indicating this variant is rare. This variant is interpreted as likely pathogenic.

NM_000435.3(NOTCH3):c.5115-12_5137del

Gene: NOTCH3 (notch receptor 3; minus strand). Cytogenetic location: 19p13.12.
Variant type: Deletion.
Coding change: c.5115-12_5137del on transcript NM_000435.3 (MANE Select); 12 bases into the intron before coding-DNA position 5115 through coding-DNA position 5137, 35 bases deleted.
Molecular consequence: splice acceptor variant.
Genome position (GRCh38, 1-based): chr19:15,170,148-15,170,182, 35 bases deleted; deleting any 35 consecutive bases within chr19:15,170,148-15,170,184 gives the same sequence; the c. name uses the placement nearest the transcript's 3' end. GRCh37 (hg19): chr19:15,280,961-15,280,995.
Identifiers: ClinVar variation 2629728 (VCV002629728.1), dbSNP rs2512623887, ClinGen allele CA2695198155.
Genomic context (GRCh38, chr19:15,170,147, plus strand): 5'-TTTAGCCGCTTGGCCTCTGGGCACTCTGTGTCCATCCAGTCTGTGGCCACCTCCCCCATC[AGGCTCTCACCCTTGGCCATGTTCCTGGCGGACAAT>A]GGGAAGAGGGGATGTGAGGGGGACACTAGAGGTGTCCAGCTGGGAAGGAGGATTTGGGGT-3'